The following is an entry in ClinVar:

NM_000089.4(COL1A2):c.875G>A (p.Gly292Asp)

Gene: COL1A2 (collagen type I alpha 2 chain; plus strand). Cytogenetic location: 7q21.3.
Variant type: single nucleotide variant.
Coding change: c.875G>A on transcript NM_000089.4 (MANE Select); coding-DNA position 875, G replaced by A.
Protein change: p.Gly292Asp; replaces glycine 292 with aspartic acid.
Molecular consequence: missense variant.
Genome position (GRCh38, 1-based): chr7:94,409,404, G>A. VCF-style: chr7-94409404-G-A. GRCh37 (hg19) VCF-style: chr7-94038716-G-A.
Other names: short protein forms G292D.
Identifiers: ClinVar variation 691334 (VCV000691334.6), dbSNP rs1131692167, ClinGen allele CA368220690.

ClinVar aggregate classification (germline): Pathogenic/Likely pathogenic. Review status: criteria provided, multiple submitters, no conflicts (2 of 4 stars). 4 submissions from 4 submitters: Pathogenic (3); Likely pathogenic (1). Last evaluated 2023-08-29.

Conditions:
Osteogenesis imperfecta with normal sclerae, dominant form (OI4). Also called: OSTEOGENESIS IMPERFECTA, TYPE IV, WITH DENTINOGENESIS IMPERFECTA; Osteogenesis Imperfecta Type IV; Common Variable Osteogenesis Imperfecta with Normal Sclerae; Osteogenesis imperfecta type 4; OSTEOGENESIS IMPERFECTA WITH NORMAL SCLERAE. Identifiers: Orphanet 216820, Orphanet 666, MedGen C0268363, MONDO:0008148, OMIM 166220.
Osteogenesis imperfecta (OI). Identifiers: Orphanet 666, MedGen C0029434, MeSH D010013, MONDO:0019019.

Submissions (4):

Revvity Omics, Revvity
Classification: Pathogenic. Last evaluated: 2023-08-29. Review status: criteria provided, single submitter. Criteria: ACMG Guidelines, 2015. Collection method: clinical testing. Allele origin: germline.

GeneDx
Classification: Pathogenic. Last evaluated: 2023-05-17. Review status: criteria provided, single submitter. Criteria: GeneDx Variant Classification Process June 2021. Collection method: clinical testing. Allele origin: germline. Affected: yes.
Comment: Occurs in the triple helical domain and replaces a glycine in a canonical Gly-X-Y repeat; missense substitution of a canonical glycine residue is expected to disrupt normal protein folding and function, and this is an established mechanism of disease (Jovanovic et al., 2021); Not observed at significant frequency in large population cohorts (gnomAD); In silico analysis supports that this missense variant has a deleterious effect on protein structure/function; Also known as G202D; This variant is associated with the following publications: (PMID: 30715774, 34007986, 28725987, 26748579, 24296239, 29499418, 18311573)

Genetics Department, Polish Mother's Memorial Hospital Research Institute
Classification: Likely pathogenic for Osteogenesis imperfecta. Last evaluated: 2019-07-11. Review status: criteria provided, single submitter. Criteria: ACMG Guidelines, 2015. Collection method: research. Allele origin: de novo. Affected: yes. Observed: 1 variant allele.

Kasturba Medical College, Manipal, Kasturba Medical College, Manipal, Manipal Academy of Higher Education, Manipal, India
Classification: Pathogenic for Osteogenesis imperfecta with normal sclerae, dominant form. Review status: criteria provided, single submitter. Criteria: ACMG Guidelines, 2015. Collection method: clinical testing. Allele origin: de novo. Affected: yes.

Literature cited by the submitters: DOI 10.1016/j.bone.2018.02.029 (cited by Kasturba Medical College, Manipal, Kasturba Medical College, Manipal, Manipal Academy of Higher Education, Manipal, India).